The following is an entry in ClinVar:

ClinVar aggregate classification (germline): Uncertain significance (1 of 4 stars; one submission).

Conditions:
Rhabdoid tumor predisposition syndrome 2 (RTPS2). Identifiers: Orphanet 231108, Orphanet 69077, MedGen C2750074, MONDO:0013224, OMIM 613325.

Submission:

Labcorp Genetics (formerly Invitae), Labcorp
Classification: Uncertain significance for Rhabdoid tumor predisposition syndrome 2. Last evaluated: 2025-11-03. Review status: criteria provided, single submitter. Criteria: Invitae Variant Classification Sherloc (09022015). Collection method: clinical testing. Allele origin: germline.
Comment: This sequence change replaces methionine, which is neutral and non-polar, with valine, which is neutral and non-polar, at codon 145 of the SMARCA4 protein (p.Met145Val). This variant is not present in population databases (gnomAD no frequency). This variant has not been reported in the literature in individuals affected with SMARCA4-related conditions. ClinVar contains an entry for this variant (Variation ID: 638939). Invitae Evidence Modeling of protein sequence and biophysical properties (such as structural, functional, and spatial information, amino acid conservation, physicochemical variation, residue mobility, and thermodynamic stability) indicates that this missense variant is not expected to disrupt SMARCA4 protein function with a negative predictive value of 95%. In summary, the available evidence is currently insufficient to determine the role of this variant in disease. Therefore, it has been classified as a Variant of Uncertain Significance.

NM_003072.5(SMARCA4):c.433A>G (p.Met145Val)

Gene: SMARCA4 (SWI/SNF related BAF chromatin remodeling complex subunit ATPase 4; plus strand). Cytogenetic location: 19p13.2.
Variant type: single nucleotide variant.
Coding change: c.433A>G on transcript NM_003072.5 (MANE Select); coding-DNA position 433, A replaced by G.
Protein change: p.Met145Val; replaces methionine 145 with valine.
Molecular consequence: missense variant. On other transcripts: non-coding transcript variant (1).
Genome position (GRCh38, 1-based): chr19:10,986,266, A>G. VCF-style: chr19-10986266-A-G. GRCh37 (hg19) VCF-style: chr19-11096942-A-G.
Other names: c.433A>G, p.Met145Val (NM_001128844.3, NM_001128845.2, NM_001128846.2 and 5 more transcripts); short protein forms M145V.
Identifiers: ClinVar variation 638939 (VCV000638939.8), dbSNP rs1599949433, ClinGen allele CA404055933.